The following is an entry in ClinVar:

NM_002469.3(MYF6):c.623T>C (p.Ile208Thr)

Gene: MYF6 (myogenic factor 6; plus strand). Cytogenetic location: 12q21.31.
Variant type: single nucleotide variant.
Coding change: c.623T>C on transcript NM_002469.3 (MANE Select); coding-DNA position 623, T replaced by C.
Protein change: p.Ile208Thr; replaces isoleucine 208 with threonine.
Molecular consequence: missense variant.
Genome position (GRCh38, 1-based): chr12:80,708,854, T>C. VCF-style: chr12-80708854-T-C. GRCh37 (hg19) VCF-style: chr12-81102633-T-C.
Other names: short protein forms I208T.
Identifiers: ClinVar variation 1011466 (VCV001011466.10), dbSNP rs766941896, ClinGen allele CA6703165.

ClinVar aggregate classification (germline): Uncertain significance (1 of 4 stars; one submission).

Conditions:
Autosomal dominant centronuclear myopathy. Also called: MYOTUBULAR MYOPATHY, AUTOSOMAL DOMINANT; Myopathy, centronuclear, 3. Identifiers: Orphanet 169189, MedGen C4551952, MeSH D020914, MONDO:0008048, OMIM 160150.

Allele frequency attached by ClinVar (database versions not stated): gnomAD exomes 0.00001 and 0.00002; ExAC 0.00002.
gnomAD v4.1: 4 of 1,614,128 alleles (0.00025%); highest among the groups gnomAD compares: Admixed American, 0.0067%; no homozygotes.

Submission:

Labcorp Genetics (formerly Invitae), Labcorp
Classification: Uncertain significance for Autosomal dominant centronuclear myopathy. Last evaluated: 2022-03-29. Review status: criteria provided, single submitter. Criteria: Invitae Variant Classification Sherloc (09022015). Collection method: clinical testing. Allele origin: germline.
Comment: In summary, the available evidence is currently insufficient to determine the role of this variant in disease. Therefore, it has been classified as a Variant of Uncertain Significance. Algorithms developed to predict the effect of missense changes on protein structure and function output the following: SIFT: "Tolerated"; PolyPhen-2: "Benign"; Align-GVGD: "Class C0". The threonine amino acid residue is found in multiple mammalian species, which suggests that this missense change does not adversely affect protein function. ClinVar contains an entry for this variant (Variation ID: 1011466). This variant has not been reported in the literature in individuals affected with MYF6-related conditions. This variant is present in population databases (rs766941896, gnomAD 0.01%). This sequence change replaces isoleucine, which is neutral and non-polar, with threonine, which is neutral and polar, at codon 208 of the MYF6 protein (p.Ile208Thr).